The following is an entry in ClinVar:

NM_001267550.2(TTN):c.43269del (p.Asp14423fs)

Gene: TTN (titin; minus strand). Cytogenetic location: 2q31.2.
Variant type: Deletion.
Coding change: c.43269del on transcript NM_001267550.2 (MANE Select); coding-DNA position 43269, one base deleted (T; older notation c.43269delT).
Protein change: p.Asp14423fs; shifts the reading frame from aspartic acid 14423.
Molecular consequence: frameshift variant.
Genome position (GRCh38, 1-based): chr2:178,632,737, A deleted on the plus strand (T on the coding strand, the reverse complement: TTN is on the minus strand). VCF-style (leftmost placement, unchanged base first): chr2-178632736-CA-C. GRCh37 (hg19) VCF-style: chr2-179497463-CA-C.
Other names: c.38346del, p.Asp12782fs (NM_001256850.1); c.16074del, p.Asp5358fs (NM_003319.4); c.35565del, p.Asp11855fs (NM_133378.4); c.16449del, p.Asp5483fs (NM_133432.3); c.16650del, p.Asp5550fs (NM_133437.4); short protein forms D12782fs, D5483fs, D5550fs, D11855fs, D14423fs, D5358fs.
Identifiers: ClinVar variation 2044697 (VCV002044697.4), dbSNP rs2471475827, ClinGen allele CA2577171458.

ClinVar aggregate classification (germline): Likely pathogenic (1 of 4 stars; one submission).

Conditions:
Dilated cardiomyopathy 1G (CMD1G). Identifiers: Orphanet 154, MedGen C1858763, MONDO:0011400, OMIM 604145.
Autosomal recessive limb-girdle muscular dystrophy type 2J (LGMDR10). Also called: Limb-girdle muscular dystrophy, type 2J; MUSCULAR DYSTROPHY, LIMB-GIRDLE, AUTOSOMAL RECESSIVE 10. Identifiers: Orphanet 140922, MedGen C1837342, MONDO:0012127, OMIM 608807.

Submission:

Labcorp Genetics (formerly Invitae), Labcorp
Classification: Likely pathogenic for Dilated cardiomyopathy 1G; Autosomal recessive limb-girdle muscular dystrophy type 2J. Last evaluated: 2025-09-19. Review status: criteria provided, single submitter. Criteria: Invitae Variant Classification Sherloc (09022015). Collection method: clinical testing. Allele origin: germline.
Comment: This sequence change creates a premature translational stop signal (p.Asp14423Glufs*19) in the TTN gene. While this is not anticipated to result in nonsense mediated decay, it is expected to create a truncated TTN protein. This variant is not present in population databases (gnomAD no frequency). This variant has not been reported in the literature in individuals affected with TTN-related conditions. ClinVar contains an entry for this variant (Variation ID: 2044697). This variant is located in the I band of TTN (PMID: 25589632). Truncating variants in this region have been reported in individuals affected with autosomal recessive centronuclear myopathy (PMID: 23975875, internal data). Truncating variants in this region have also been identified in individuals affected with autosomal dominant dilated cardiomyopathy and/or cardio-related conditions (PMID: 27869827, 32964742, internal data). In summary, the currently available evidence indicates that the variant is pathogenic, but additional data are needed to prove that conclusively. Therefore, this variant has been classified as Likely Pathogenic.

Literature cited by the submitters: PubMed 25589632; PubMed 23975875; PubMed 27869827; PubMed 32964742.